The following is an entry in ClinVar:

NM_007194.4(CHEK2):c.1184T>C (p.Val395Ala)

Gene: CHEK2 (checkpoint kinase 2; minus strand). Cytogenetic location: 22q12.1.
Variant type: single nucleotide variant.
Coding change: c.1184T>C on transcript NM_007194.4 (MANE Select); coding-DNA position 1184, T replaced by C.
Protein change: p.Val395Ala; replaces valine 395 with alanine.
Molecular consequence: missense variant.
Genome position (GRCh38, 1-based): chr22:28,695,785, A>G on the plus strand (T>C on the coding strand, the complement: CHEK2 is on the minus strand). VCF-style: chr22-28695785-A-G. GRCh37 (hg19) VCF-style: chr22-29091773-A-G.
Other names: c.1313T>C, p.Val438Ala (NM_001005735.3); c.521T>C, p.Val174Ala (NM_001257387.3); c.983T>C, p.Val328Ala (NM_001349956.3); c.1097T>C, p.Val366Ala (NM_145862.3); short protein forms V395A, V174A, V328A, V438A, V366A.
Identifiers: ClinVar variation 530218 (VCV000530218.10), dbSNP rs1555913769, ClinGen allele CA411096804.

ClinVar aggregate classification (germline): Uncertain significance. Review status: criteria provided, multiple submitters, no conflicts (2 of 4 stars). 2 submissions from 2 submitters: Uncertain significance (2). Last evaluated 2025-02-14.

Conditions:
Hereditary cancer-predisposing syndrome. Also called: Hereditary neoplastic syndrome; Neoplastic Syndromes, Hereditary; Hereditary Cancer Syndrome; Tumor predisposition. Identifiers: Orphanet 140162, MedGen C0027672, MeSH D009386, MONDO:0015356.
Familial cancer of breast. Also called: BREAST CANCER, FAMILIAL; Hereditary breast cancer; hereditary breast carcinoma. Identifiers: Orphanet 227535, MedGen C0346153, MONDO:0016419, OMIM 114480. Disease mechanism: loss of function.

Submissions (2):

Ambry Genetics
Classification: Uncertain significance for Hereditary cancer-predisposing syndrome. Last evaluated: 2025-02-14. Review status: criteria provided, single submitter. Criteria: Ambry Variant Classification Scheme 2023. Collection method: clinical testing. Allele origin: germline.
Comment: The p.V395A variant (also known as c.1184T>C), located in coding exon 10 of the CHEK2 gene, results from a T to C substitution at nucleotide position 1184. The valine at codon 395 is replaced by alanine, an amino acid with similar properties. This amino acid position is highly conserved in available vertebrate species. In addition, this alteration is predicted to be deleterious by in silico analysis. Based on the available evidence, the clinical significance of this variant remains unclear.

Labcorp Genetics (formerly Invitae), Labcorp
Classification: Uncertain significance for Familial cancer of breast. Last evaluated: 2024-11-24. Review status: criteria provided, single submitter. Criteria: Invitae Variant Classification Sherloc (09022015). Collection method: clinical testing. Allele origin: germline.
Comment: This sequence change replaces valine, which is neutral and non-polar, with alanine, which is neutral and non-polar, at codon 395 of the CHEK2 protein (p.Val395Ala). This variant is not present in population databases (gnomAD no frequency). This variant has not been reported in the literature in individuals affected with CHEK2-related conditions. ClinVar contains an entry for this variant (Variation ID: 530218). An algorithm developed to predict the effect of missense changes on protein structure and function (PolyPhen-2) suggests that this variant is likely to be disruptive. In summary, the available evidence is currently insufficient to determine the role of this variant in disease. Therefore, it has been classified as a Variant of Uncertain Significance.